The following is an entry in ClinVar:

NM_007194.4(CHEK2):c.1620T>C (p.Ala540=)

Gene: CHEK2 (checkpoint kinase 2; minus strand). Cytogenetic location: 22q12.1.
Variant type: single nucleotide variant.
Coding change: c.1620T>C on transcript NM_007194.4 (MANE Select); coding-DNA position 1620, T replaced by C.
Protein change: p.Ala540=; no amino-acid change (alanine 540 retained).
Molecular consequence: synonymous variant.
Genome position (GRCh38, 1-based): chr22:28,687,909, A>G on the plus strand (T>C on the coding strand, the complement: CHEK2 is on the minus strand). VCF-style: chr22-28687909-A-G. GRCh37 (hg19) VCF-style: chr22-29083897-A-G.
Other names: c.1749T>C, p.Ala583= (NM_001005735.3); c.957T>C, p.Ala319= (NM_001257387.3); c.1419T>C, p.Ala473= (NM_001349956.3); c.1533T>C, p.Ala511= (NM_145862.3).
Identifiers: ClinVar variation 483364 (VCV000483364.22), dbSNP rs1194893297, ClinGen allele CA513944638.

ClinVar aggregate classification (germline): Benign/Likely benign. Review status: criteria provided, multiple submitters, no conflicts (2 of 4 stars). 6 submissions from 6 submitters: Benign (1); Likely benign (5). Last evaluated 2026-01-27.

Conditions:
Familial cancer of breast. Also called: BREAST CANCER, FAMILIAL; Hereditary breast cancer; hereditary breast carcinoma. Identifiers: Orphanet 227535, MedGen C0346153, MONDO:0016419, OMIM 114480. Disease mechanism: loss of function.
Hereditary cancer-predisposing syndrome. Also called: Neoplastic Syndromes, Hereditary; Tumor predisposition; Hereditary Cancer Syndrome; Hereditary neoplastic syndrome. Identifiers: Orphanet 140162, MedGen C0027672, MeSH D009386, MONDO:0015356.

Allele frequency attached by ClinVar (database versions not stated): gnomAD exomes below 0.00001.
gnomAD v4.1: 1 of 1,596,318 alleles (0.000063%); highest among the groups gnomAD compares: Non-Finnish European, 0.000085%; no homozygotes.

Submissions (6):

Labcorp Genetics (formerly Invitae), Labcorp
Classification: Likely benign for Familial cancer of breast. Last evaluated: 2026-01-27. Review status: criteria provided, single submitter. Criteria: Invitae Variant Classification Sherloc (09022015). Collection method: clinical testing. Allele origin: germline.

Quest Diagnostics Nichols Institute San Juan Capistrano
Classification: Likely benign. Last evaluated: 2025-02-18. Review status: criteria provided, single submitter. Criteria: Quest Diagnostics criteria. Collection method: clinical testing. Allele origin: unknown.

Myriad Genetics, Inc.
Classification: Benign for Familial cancer of breast. Last evaluated: 2024-10-09. Review status: criteria provided, single submitter. Criteria: Myriad Autosomal Dominant, Autosomal Recessive and X-Linked Classification Criteria (2023). Collection method: clinical testing. Allele origin: unknown.
Comment: This variant is considered benign. This variant is a silent/synonymous amino acid change and it is not expected to impact splicing.

Color Diagnostics, LLC DBA Color Health
Classification: Likely benign for Hereditary cancer-predisposing syndrome. Last evaluated: 2021-01-27. Review status: criteria provided, single submitter. Criteria: ACMG Guidelines, 2015. Collection method: clinical testing. Allele origin: germline.

Sema4
Classification: Likely benign for Hereditary cancer-predisposing syndrome. Last evaluated: 2020-07-28. Review status: criteria provided, single submitter. Criteria: Sema4 Curation Guidelines. Collection method: curation. Allele origin: germline.

Ambry Genetics
Classification: Likely benign for Hereditary cancer-predisposing syndrome. Last evaluated: 2016-03-15. Review status: criteria provided, single submitter. Criteria: Ambry Variant Classification Scheme 2023. Collection method: clinical testing. Allele origin: germline.

Literature cited by the submitters: PubMed 30287823 (cited by Quest Diagnostics Nichols Institute San Juan Capistrano); PubMed 38509102 (cited by Quest Diagnostics Nichols Institute San Juan Capistrano).